The following is an entry in ClinVar:

NM_006648.4(WNK2):c.4198G>A (p.Ala1400Thr)

Gene: WNK2 (WNK lysine deficient protein kinase 2; plus strand). Cytogenetic location: 9q22.31.
Variant type: single nucleotide variant.
Coding change: c.4198G>A on transcript NM_006648.4 (MANE Select); coding-DNA position 4198, G replaced by A.
Protein change: p.Ala1400Thr; replaces alanine 1400 with threonine.
Molecular consequence: missense variant.
Genome position (GRCh38, 1-based): chr9:93,288,952, G>A. VCF-style: chr9-93288952-G-A. GRCh37 (hg19) VCF-style: chr9-96051234-G-A.
Other names: c.4309G>A, p.Ala1437Thr (NM_001282394.3); short protein forms A1437T, A1400T.
Identifiers: ClinVar variation 3982138 (VCV003982138.1).

ClinVar aggregate classification (germline): Uncertain significance (1 of 4 stars; one submission).

Submission:

Ambry Genetics
Classification: Uncertain significance. Last evaluated: 2025-05-31. Review status: criteria provided, single submitter. Criteria: Ambry Variant Classification Scheme 2023. Collection method: clinical testing. Allele origin: germline.
Comment: The p.A1400T variant (also known as c.4198G>A), located in coding exon 19 of the WNK2 gene, results from a G to A substitution at nucleotide position 4198. The alanine at codon 1400 is replaced by threonine, an amino acid with similar properties. This amino acid position is conserved. In addition, this alteration is predicted to be tolerated by in silico analysis. Based on the available evidence, the clinical significance of this variant remains unclear.